The following is an entry in ClinVar:

ClinVar aggregate classification (germline): Uncertain significance (1 of 4 stars; one submission).

Allele frequency attached by ClinVar (database versions not stated): gnomAD 0.00002; gnomAD exomes 0.00002 and 0.00003; ExAC 0.00003.
gnomAD v4.1: 26 of 1,613,878 alleles (0.0016%); highest among the groups gnomAD compares: South Asian, 0.0088%; no homozygotes.

Submission:

Labcorp Genetics (formerly Invitae), Labcorp
Classification: Uncertain significance. Last evaluated: 2026-01-19. Review status: criteria provided, single submitter. Criteria: Invitae Variant Classification Sherloc (09022015). Collection method: clinical testing. Allele origin: germline.
Comment: This sequence change replaces threonine, which is neutral and polar, with methionine, which is neutral and non-polar, at codon 287 of the TWNK protein (p.Thr287Met). This variant is present in population databases (rs777472403, gnomAD 0.01%). This variant has not been reported in the literature in individuals affected with TWNK-related conditions. ClinVar contains an entry for this variant (Variation ID: 1681336). Invitae Evidence Modeling of protein sequence and biophysical properties (such as structural, functional, and spatial information, amino acid conservation, physicochemical variation, residue mobility, and thermodynamic stability) has been performed for this missense variant. However, the output from this modeling did not meet the statistical confidence thresholds required to predict the impact of this variant on TWNK protein function. In summary, the available evidence is currently insufficient to determine the role of this variant in disease. Therefore, it has been classified as a Variant of Uncertain Significance.

NM_021830.5(TWNK):c.860C>T (p.Thr287Met)

Gene: TWNK (twinkle mtDNA helicase; plus strand). Cytogenetic location: 10q24.31.
Variant type: single nucleotide variant.
Coding change: c.860C>T on transcript NM_021830.5 (MANE Select); coding-DNA position 860, C replaced by T.
Protein change: p.Thr287Met; replaces threonine 287 with methionine.
Molecular consequence: missense variant. On other transcripts: non-coding transcript variant (4), intron variant (3).
Genome position (GRCh38, 1-based): chr10:100,989,070, C>T. VCF-style: chr10-100989070-C-T. GRCh37 (hg19) VCF-style: chr10-102748827-C-T.
Other names: c.860C>T, p.Thr287Met (NM_001163812.2); c.-119-574C>T (NM_001163814.2, NM_001163813.2); c.-57-636C>T (NM_001368275.1); short protein forms T287M.
Identifiers: ClinVar variation 1681336 (VCV001681336.8), dbSNP rs777472403, ClinGen allele CA5653128.